The following is an entry in ClinVar:

ClinVar aggregate classification (germline): Benign. Review status: criteria provided, single submitter (1 of 4 stars). 2 submissions from 2 submitters: Benign (1). 1 of the submissions does not count toward it. Last evaluated 2026-07-01.

Conditions:
GLS-related disorder. Also called: GLS-related condition.

Allele frequency attached by ClinVar (database versions not stated): gnomAD exomes 0.00066; ExAC 0.00125; 1000 Genomes Project 0.00379; 1000 Genomes Project 30x 0.00453; ESP Exome Variant Server 0.00492; gnomAD 0.00500; TOPMed 0.00584.
gnomAD v4.1: 1,789 of 1,613,624 alleles (0.11%); highest among the groups gnomAD compares: African/African-American, 1.6%; 13 homozygotes.

Submissions (2):

CeGaT Center for Human Genetics Tuebingen
Classification: Benign. Last evaluated: 2026-07-01. Review status: criteria provided, single submitter. Criteria: CeGaT Center For Human Genetics Tuebingen Variant Classification Criteria Version 2. Collection method: clinical testing. Allele origin: germline. Affected: yes. Observed: 5 variant alleles.
Comment: GLS: PP2, BS1, BS2

PreventionGenetics, part of Exact Sciences
Classification: Benign for GLS-related condition. Last evaluated: 2020-01-21. Review status: no assertion criteria provided. Collection method: clinical testing. Allele origin: germline. Not counted in ClinVar's aggregate classification.
Comment: This variant is classified as benign based on ACMG/AMP sequence variant interpretation guidelines (Richards et al. 2015 PMID: 25741868, with internal and published modifications).

NM_014905.5(GLS):c.1294G>T (p.Ala432Ser)

Gene: GLS (glutaminase; plus strand). Cytogenetic location: 2q32.2.
Variant type: single nucleotide variant.
Coding change: c.1294G>T on transcript NM_014905.5 (MANE Select); coding-DNA position 1294, G replaced by T.
Protein change: p.Ala432Ser; replaces alanine 432 with serine.
Molecular consequence: missense variant.
Genome position (GRCh38, 1-based): chr2:190,927,351, G>T. VCF-style: chr2-190927351-G-T. GRCh37 (hg19) VCF-style: chr2-191792077-G-T.
Other names: c.1294G>T (NM_014905.4); c.1294G>T, p.Ala432Ser (NM_001256310.2); short protein forms A432S.
Identifiers: ClinVar variation 2651767 (VCV002651767.25), dbSNP rs140284772, ClinGen allele CA2029498.